The following is an entry in ClinVar:

NM_000038.6(APC):c.3373G>C (p.Val1125Leu)

Gene: APC (APC regulator of Wnt signaling pathway; plus strand). Cytogenetic location: 5q22.2.
Variant type: single nucleotide variant.
Coding change: c.3373G>C on transcript NM_000038.6 (MANE Select); coding-DNA position 3373, G replaced by C.
Protein change: p.Val1125Leu; replaces valine 1125 with leucine.
Molecular consequence: missense variant. On other transcripts: non-coding transcript variant (2).
Genome position (GRCh38, 1-based): chr5:112,838,967, G>C. VCF-style: chr5-112838967-G-C. GRCh37 (hg19) VCF-style: chr5-112174664-G-C.
Other names: c.3373G>C (NM_000038.5); c.3373G>C, p.Val1125Leu (NM_001127510.3, NM_001354895.2, NM_001407450.1); c.3319G>C, p.Val1107Leu (NM_001127511.3); c.3427G>C, p.Val1143Leu (NM_001354896.2, NM_001407447.1, NM_001407448.1 and 1 more transcripts); c.3403G>C, p.Val1135Leu (NM_001354897.2); c.3298G>C, p.Val1100Leu (NM_001354898.2); c.3289G>C, p.Val1097Leu (NM_001354899.2); c.3250G>C, p.Val1084Leu (NM_001354900.2); and 12 more; short protein forms V1024L, V1034L, V1100L, V741L, V965L, V996L, V1066L, V1097L.
Identifiers: ClinVar variation 2720472 (VCV002720472.4), dbSNP rs1580634693, ClinGen allele CA16028725.

ClinVar aggregate classification (germline): Uncertain significance. Review status: criteria provided, multiple submitters, no conflicts (2 of 4 stars). 2 submissions from 2 submitters: Uncertain significance (2). Last evaluated 2024-08-24.

Conditions:
Hereditary cancer-predisposing syndrome. Also called: Neoplastic Syndromes, Hereditary; Tumor predisposition; Hereditary neoplastic syndrome; Hereditary Cancer Syndrome. Identifiers: Orphanet 140162, MedGen C0027672, MeSH D009386, MONDO:0015356.
Familial adenomatous polyposis 1 (FAP1). Also called: FAMILIAL ADENOMATOUS POLYPOSIS 1, ATTENUATED; POLYPOSIS, ADENOMATOUS INTESTINAL. Identifiers: MedGen C2713442, MONDO:0021056, OMIM 175100. Disease mechanism: loss of function.

gnomAD v4.1: 1 of 1,614,094 alleles (0.000062%); highest among the groups gnomAD compares: Non-Finnish European, 0.000085%; no homozygotes.

Submissions (2):

Ambry Genetics
Classification: Uncertain significance for Hereditary cancer-predisposing syndrome. Last evaluated: 2024-08-24. Review status: criteria provided, single submitter. Criteria: Ambry Variant Classification Scheme 2023. Collection method: clinical testing. Allele origin: germline.
Comment: The p.V1125L variant (also known as c.3373G>C), located in coding exon 15 of the APC gene, results from a G to C substitution at nucleotide position 3373. The valine at codon 1125 is replaced by leucine, an amino acid with highly similar properties. This amino acid position is conserved. In addition, in silico predictors for this gene do not accurately predict pathogenicity. Based on the available evidence, the clinical significance of this variant remains unclear.

Labcorp Genetics (formerly Invitae), Labcorp
Classification: Uncertain significance for Familial adenomatous polyposis 1. Last evaluated: 2023-06-21. Review status: criteria provided, single submitter. Criteria: Invitae Variant Classification Sherloc (09022015). Collection method: clinical testing. Allele origin: germline.
Comment: This sequence change replaces valine, which is neutral and non-polar, with leucine, which is neutral and non-polar, at codon 1125 of the APC protein (p.Val1125Leu). In summary, the available evidence is currently insufficient to determine the role of this variant in disease. Therefore, it has been classified as a Variant of Uncertain Significance. Advanced modeling of protein sequence and biophysical properties (such as structural, functional, and spatial information, amino acid conservation, physicochemical variation, residue mobility, and thermodynamic stability) performed at Invitae indicates that this missense variant is not expected to disrupt APC protein function. This variant has not been reported in the literature in individuals affected with APC-related conditions. This variant is not present in population databases (gnomAD no frequency).